The following is an entry in ClinVar:

NM_001370.2(DNAH6):c.7649T>C (p.Val2550Ala)

Gene: DNAH6 (dynein axonemal heavy chain 6; plus strand). Cytogenetic location: 2p11.2.
Variant type: single nucleotide variant.
Coding change: c.7649T>C on transcript NM_001370.2 (MANE Select); coding-DNA position 7649, T replaced by C.
Protein change: p.Val2550Ala; replaces valine 2550 with alanine.
Molecular consequence: missense variant.
Genome position (GRCh38, 1-based): chr2:84,697,699, T>C. VCF-style: chr2-84697699-T-C. GRCh37 (hg19) VCF-style: chr2-84924823-T-C.
Other names: short protein forms V2550A.
Identifiers: ClinVar variation 402742 (VCV000402742.10), dbSNP rs78190897, ClinGen allele CA1737438.

ClinVar aggregate classification (germline): Benign. Review status: criteria provided, multiple submitters, no conflicts (2 of 4 stars). 4 submissions from 4 submitters: Benign (3). 1 of the submissions does not count toward it. Last evaluated 2021-05-04.

Conditions:
DNAH6-related disorder. Also called: DNAH6-related condition.

Allele frequency attached by ClinVar (database versions not stated): 1000 Genomes Project 30x 0.11665; 1000 Genomes Project 0.11681; gnomAD 0.14369 and 0.14668; TOPMed 0.14483; ExAC 0.14770; gnomAD exomes 0.15248; ESP Exome Variant Server 0.15396.
gnomAD v4.1: 242,661 of 1,551,366 alleles (16%); highest among the groups gnomAD compares: Middle Eastern, 17%; 19,734 homozygotes.

Submissions (4):

GeneDx
Classification: Benign. Last evaluated: 2021-05-04. Review status: criteria provided, single submitter. Criteria: GeneDx Variant Classification Process June 2021. Collection method: clinical testing. Allele origin: germline. Affected: yes.

Laboratory for Molecular Medicine, Mass General Brigham Personalized Medicine
Classification: Benign. Last evaluated: 2016-03-28. Review status: criteria provided, single submitter. Criteria: LMM Criteria. Collection method: clinical testing. Allele origin: germline.
Comment: Variant identified in a genome or exome case(s) and assessed due to predicted null impact of the variant or pathogenic assertions in the literature or databases. Disclaimer: This variant has not undergone full assessment. The following are preliminary notes: Frequency

Breakthrough Genomics
Classification: Benign. Review status: criteria provided, single submitter. Criteria: ACMG Guidelines, 2015. Collection method: not provided. Allele origin: germline. Inheritance: Unknown mechanism. Affected: yes.

PreventionGenetics, part of Exact Sciences
Classification: Benign for DNAH6-related condition. Last evaluated: 2019-10-28. Review status: no assertion criteria provided. Collection method: clinical testing. Allele origin: germline. Not counted in ClinVar's aggregate classification.
Comment: This variant is classified as benign based on ACMG/AMP sequence variant interpretation guidelines (Richards et al. 2015 PMID: 25741868, with internal and published modifications).